The following is an entry in ClinVar:

ClinVar aggregate classification (germline): Uncertain significance (1 of 4 stars; one submission).

Conditions:
KBG syndrome (KBGS). Also called: ANKRD11-Related KBG Syndrome. Identifiers: Orphanet 2332, MedGen C0220687, MONDO:0007846, OMIM 148050.

Allele frequency attached by ClinVar (database versions not stated): TOPMed below 0.00001; gnomAD 0.00001.
gnomAD v4.1: 10 of 1,613,270 alleles (0.00062%); highest among the groups gnomAD compares: Non-Finnish European, 0.00085%; no homozygotes.

Submission:

Labcorp Genetics (formerly Invitae), Labcorp
Classification: Uncertain significance for KBG syndrome. Last evaluated: 2023-11-19. Review status: criteria provided, single submitter. Criteria: Invitae Variant Classification Sherloc (09022015). Collection method: clinical testing. Allele origin: germline.
Comment: This sequence change replaces proline, which is neutral and non-polar, with arginine, which is basic and polar, at codon 1953 of the ANKRD11 protein (p.Pro1953Arg). This variant is not present in population databases (gnomAD no frequency). This variant has not been reported in the literature in individuals affected with ANKRD11-related conditions. Advanced modeling of protein sequence and biophysical properties (such as structural, functional, and spatial information, amino acid conservation, physicochemical variation, residue mobility, and thermodynamic stability) performed at Invitae indicates that this missense variant is not expected to disrupt ANKRD11 protein function with a negative predictive value of 95%. In summary, the available evidence is currently insufficient to determine the role of this variant in disease. Therefore, it has been classified as a Variant of Uncertain Significance.

NM_013275.6(ANKRD11):c.5858C>G (p.Pro1953Arg)

Gene: ANKRD11 (ankyrin repeat domain 11; minus strand). Cytogenetic location: 16q24.3.
Variant type: single nucleotide variant.
Coding change: c.5858C>G on transcript NM_013275.6 (MANE Select); coding-DNA position 5858, C replaced by G.
Protein change: p.Pro1953Arg; replaces proline 1953 with arginine.
Molecular consequence: missense variant.
Genome position (GRCh38, 1-based): chr16:89,280,684, G>C on the plus strand (C>G on the coding strand, the complement: ANKRD11 is on the minus strand). VCF-style: chr16-89280684-G-C. GRCh37 (hg19) VCF-style: chr16-89347092-G-C.
Other names: c.5858C>G, p.Pro1953Arg (NM_001256182.2, NM_001256183.2); short protein forms P1953R.
Identifiers: ClinVar variation 2885866 (VCV002885866.3), dbSNP rs138255986, ClinGen allele CA397152531.
Genomic context (GRCh38, chr16:89,280,684, plus strand): 5'-CAGCTCACAGGGTTTTCAGAGGTGCCCCCGATCAGGCTAGAGGCAAGCGCCTGCTCGGAG[G>C]GGTGGGCCCACTCAACGGGCTCCTCGGTGATGACGGCGCTGAAGGGACCCTCGTCCAGCG-3'
Protein context (NP_037407.4, residues 1943-1963): ITEEPVEWAH[Pro1953Arg]SEQALASSLI